The following is an entry in ClinVar:

ClinVar aggregate classification (germline): Likely pathogenic (1 of 4 stars; one submission).

Conditions:
Autosomal recessive nonsyndromic hearing loss 77. Identifiers: Orphanet 90636, MedGen C2746083, MONDO:0013119, OMIM 613079.

Submission:

Myriad Genetics, Inc.
Classification: Likely pathogenic for Autosomal recessive nonsyndromic hearing loss 77. Last evaluated: 2022-03-15. Review status: criteria provided, single submitter. Criteria: Myriad Women's Health Autosomal Recessive and X-Linked Classification Criteria (2021). Collection method: clinical testing. Allele origin: unknown.
Comment: NM_144612.6(LOXHD1):c.1483A>T(K495*) is expected to be pathogenic in the context of LOXHD1-related DFNB77 hearing loss and deafness. This variant is predicted to lead to an abnormal or absent protein product due to the creation of a premature termination codon in LOXHD1, a gene where loss-of-function variants are known to be pathogenic. Please note: this variant was assessed in the context of healthy population screening.

NM_001384474.1(LOXHD1):c.1483A>T (p.Lys495Ter)

Gene: LOXHD1 (lipoxygenase homology PLAT domains 1; minus strand). Cytogenetic location: 18q21.1.
Variant type: single nucleotide variant.
Coding change: c.1483A>T on transcript NM_001384474.1 (MANE Select); coding-DNA position 1483, A replaced by T.
Protein change: p.Lys495Ter; replaces lysine 495 with a stop codon.
Molecular consequence: nonsense.
Genome position (GRCh38, 1-based): chr18:46,592,533, T>A on the plus strand (A>T on the coding strand, the complement: LOXHD1 is on the minus strand). VCF-style: chr18-46592533-T-A. GRCh37 (hg19) VCF-style: chr18-44172496-T-A.
Other names: c.1483A>T, p.Lys495Ter (NM_144612.7); short protein forms K495*.
Identifiers: ClinVar variation 1725298 (VCV001725298.2), dbSNP rs2511926945, ClinGen allele CA402380434.